The following is an entry in ClinVar:

NM_000059.4(BRCA2):c.7976+24G>A

Gene: BRCA2 (BRCA2 DNA repair associated; plus strand). Cytogenetic location: 13q13.1.
Variant type: single nucleotide variant.
Coding change: c.7976+24G>A on transcript NM_000059.4 (MANE Select); 24 bases into the intron after coding-DNA position 7976, G replaced by A.
Molecular consequence: intron variant.
Genome position (GRCh38, 1-based): chr13:32,362,717, G>A. VCF-style: chr13-32362717-G-A. GRCh37 (hg19) VCF-style: chr13-32936854-G-A.
Identifiers: ClinVar variation 371868 (VCV000371868.19), dbSNP rs189855685, ClinGen allele CA6941169.

ClinVar aggregate classification (germline): Benign/Likely benign. Review status: criteria provided, multiple submitters, no conflicts (2 of 4 stars). 3 submissions from 3 submitters: Benign (1); Likely benign (1). 1 of the submissions does not count toward it. Last evaluated 2025-12-29.

Conditions:
Hereditary breast ovarian cancer syndrome. Also called: Hereditary breast and ovarian cancer; Hereditary breast and/or ovarian cancer syndrome; Hereditary breast and ovarian cancer syndrome (HBOC); Breast and ovarian cancer; BRCA1- and BRCA2-Associated Hereditary Breast and Ovarian Cancer; Hereditary breast and ovarian cancer syndrome. Identifiers: Orphanet 145, MedGen C0677776, MeSH D061325, MONDO:0003582. Disease mechanism: loss of function.
Breast-ovarian cancer, familial, susceptibility to, 2 (BROVCA2). Also called: BRCA2 Hereditary Breast and Ovarian Cancer. Identifiers: Orphanet 145, MedGen C2675520, MONDO:0012933, OMIM 612555. Disease mechanism: loss of function.

Allele frequency attached by ClinVar (database versions not stated): gnomAD 0.00001 and 0.00003; TOPMed 0.00002; gnomAD exomes 0.00005 and 0.00006; ExAC 0.00007; 1000 Genomes Project 30x 0.00016; 1000 Genomes Project 0.00020.
gnomAD v4.1: 94 of 1,612,498 alleles (0.0058%); highest among the groups gnomAD compares: East Asian, 0.19%; no homozygotes.

Submissions (3):

Center for Genomic Medicine, Rigshospitalet, Copenhagen University Hospital
Classification: Benign. Last evaluated: 2025-12-29. Review status: criteria provided, single submitter. Criteria: ACMG Guidelines, 2015. Collection method: clinical testing. Allele origin: germline.
Comment: Classification criteria: BA1

National Health Laboratory Service, Universitas Academic Hospital and University of the Free State
Classification: Likely benign for Hereditary breast ovarian cancer syndrome. Last evaluated: 2021-11-16. Review status: criteria provided, single submitter. Criteria: ACMG Guidelines, 2015. Collection method: clinical testing. Allele origin: germline. Affected: yes. Observed: 1 variant allele.

Counsyl
Classification: Likely benign for Breast-ovarian cancer, familial, susceptibility to, 2. Last evaluated: 2016-06-08. Review status: no assertion criteria provided. Collection method: clinical testing. Allele origin: unknown. Not counted in ClinVar's aggregate classification.

Literature cited by the submitters: DOI 10.3389/fgene.2022.834265 (cited by National Health Laboratory Service, Universitas Academic Hospital and University of the Free State).